The following is an entry in ClinVar:

NM_020366.4(RPGRIP1):c.2013dup (p.Pro672fs)

Gene: RPGRIP1 (RPGR interacting protein 1; plus strand). Cytogenetic location: 14q11.2.
Variant type: Duplication.
Coding change: c.2013dup on transcript NM_020366.4 (MANE Select); coding-DNA position 2013, one base duplicated (G; older notation c.2013dupG).
Protein change: p.Pro672fs; shifts the reading frame from proline 672.
Molecular consequence: frameshift variant. On other transcripts: intron variant (4).
Genome position (GRCh38, 1-based): chr14:21,324,868, G duplicated; the last of 4 consecutive G bases (chr14:21,324,865-21,324,868); duplicating any one gives the same sequence. VCF-style (leftmost placement, unchanged base first): chr14-21324864-T-TG. GRCh37 (hg19) VCF-style: chr14-21793023-T-TG.
Other names: c.939dup, p.Pro314fs (NM_001377948.1); c.796+143dup (NM_001377949.1); c.689-2755dup (NM_001377523.1, NM_001377950.1); c.191-2755dup (NM_001377951.1); short protein forms P672fs, P314fs.
Identifiers: ClinVar variation 4783771 (VCV004783771.1).

ClinVar aggregate classification (germline): Pathogenic (1 of 4 stars; one submission).

Conditions:
Cone-rod dystrophy 13 (CORD13). Identifiers: Orphanet 1872, MedGen C2750720, MONDO:0011987, OMIM 608194.
Leber congenital amaurosis 6 (LCA6). Identifiers: Orphanet 65, MedGen C1854260, MONDO:0013446, OMIM 613826.

Submission:

Labcorp Genetics (formerly Invitae), Labcorp
Classification: Pathogenic for Leber congenital amaurosis 6; Cone-rod dystrophy 13. Last evaluated: 2025-04-24. Review status: criteria provided, single submitter. Criteria: Invitae Variant Classification Sherloc (09022015). Collection method: clinical testing. Allele origin: germline.
Comment: This sequence change creates a premature translational stop signal (p.Pro672Alafs*6) in the RPGRIP1 gene. It is expected to result in an absent or disrupted protein product. Loss-of-function variants in RPGRIP1 are known to be pathogenic (PMID: 11528500, 23105016). This variant is not present in population databases (gnomAD no frequency). This premature translational stop signal has been observed in individual(s) with leber congenital amaurosis (PMID: 26047050). This variant is also known as c.2009_2010insG. For these reasons, this variant has been classified as Pathogenic.

Literature cited by the submitters: PubMed 11528500; PubMed 23105016; PubMed 26047050.